The following is an entry in ClinVar:

ClinVar aggregate classification (germline): Uncertain significance (1 of 4 stars; one submission).

Conditions:
RASopathy. Also called: rasopathies; Noonan spectrum disorder. Identifiers: Orphanet 536391, MedGen C5555857, MONDO:0021060.

Submission:

Labcorp Genetics (formerly Invitae), Labcorp
Classification: Uncertain significance for RASopathy. Last evaluated: 2022-05-25. Review status: criteria provided, single submitter. Criteria: Invitae Variant Classification Sherloc (09022015). Collection method: clinical testing. Allele origin: germline.
Comment: This variant has not been reported in the literature in individuals affected with SOS1-related conditions. This variant is not present in population databases (gnomAD no frequency). This sequence change replaces threonine, which is neutral and polar, with alanine, which is neutral and non-polar, at codon 1076 of the SOS1 protein (p.Thr1076Ala). Advanced modeling of protein sequence and biophysical properties (such as structural, functional, and spatial information, amino acid conservation, physicochemical variation, residue mobility, and thermodynamic stability) performed at Invitae indicates that this missense variant is not expected to disrupt SOS1 protein function. In summary, the available evidence is currently insufficient to determine the role of this variant in disease. Therefore, it has been classified as a Variant of Uncertain Significance.

NM_005633.4(SOS1):c.3226A>G (p.Thr1076Ala)

Gene: SOS1 (SOS Ras/Rac guanine nucleotide exchange factor 1; minus strand). Cytogenetic location: 2p22.1.
Variant type: single nucleotide variant.
Coding change: c.3226A>G on transcript NM_005633.4 (MANE Select); coding-DNA position 3226, A replaced by G.
Protein change: p.Thr1076Ala; replaces threonine 1076 with alanine.
Molecular consequence: missense variant.
Genome position (GRCh38, 1-based): chr2:38,995,243, T>C on the plus strand (A>G on the coding strand, the complement: SOS1 is on the minus strand). VCF-style: chr2-38995243-T-C. GRCh37 (hg19) VCF-style: chr2-39222384-T-C.
Other names: c.3205A>G, p.Thr1069Ala (NM_001382394.1); c.3226A>G, p.Thr1076Ala (NM_001382395.1); short protein forms T1076A, T1069A.
Identifiers: ClinVar variation 1998965 (VCV001998965.4), dbSNP rs2528914966, ClinGen allele CA346360720.
Genomic context (GRCh38, chr2:38,995,243, plus strand): 5'-AAGCACCAGAAGCAGGCGGAGGTGTTAACGGTGTTCTTGGAGAATTTGGTGCAGATGCTG[T>C]ACTTTCTGTTTCACTTTCAGGGATCCTACTATAACTAATTTTCCTTGGCTCCTGCTGCAG-3'
Protein context (NP_005624.2, residues 1066-1086): SRIPESETES[Thr1076Ala]ASAPNSPRTP